The following is an entry in ClinVar:

ClinVar aggregate classification (germline): Conflicting classifications of pathogenicity. Review status: criteria provided, conflicting classifications (1 of 4 stars). 7 submissions from 7 submitters: Uncertain significance (3); Likely benign (3). 1 of the submissions does not count toward it. Last evaluated 2025-01-08.

Conditions:
Inborn genetic diseases. Identifiers: MedGen C0950123, MeSH D030342.
LRBA-related disorder. Also called: LRBA-related condition.
Combined immunodeficiency due to LRBA deficiency. Also called: Common variable immunodeficiency 8, with autoimmunity. Identifiers: Orphanet 445018, MedGen C3553512, MONDO:0013863, OMIM 614700.

Allele frequency attached by ClinVar (database versions not stated): gnomAD exomes 0.00010 and 0.00024; ExAC 0.00021; 1000 Genomes Project 30x 0.00047; gnomAD 0.00056 and 0.00058; 1000 Genomes Project 0.00060; TOPMed 0.00066; ESP Exome Variant Server 0.00077.
gnomAD v4.1: 238 of 1,614,146 alleles (0.015%); highest among the groups gnomAD compares: African/African-American, 0.17%; 1 homozygote.

Submissions (7):

Mayo Clinic Laboratories, Mayo Clinic
Classification: Likely benign. Last evaluated: 2025-01-08. Review status: criteria provided, single submitter. Criteria: ACMG Guidelines, 2015. Collection method: clinical testing. Allele origin: germline. Observed: 1 variant allele.
Comment: BS1, BP4_moderate

Blueprint Genetics
Classification: Likely benign. Last evaluated: 2024-10-07. Review status: criteria provided, single submitter. Criteria: ACMG Guidelines, 2015. Collection method: clinical testing. Allele origin: germline.

Labcorp Genetics (formerly Invitae), Labcorp
Classification: Uncertain significance for Combined immunodeficiency due to LRBA deficiency. Last evaluated: 2023-12-22. Review status: criteria provided, single submitter. Criteria: Invitae Variant Classification Sherloc (09022015). Collection method: clinical testing. Allele origin: germline.
Comment: This sequence change replaces asparagine, which is neutral and polar, with serine, which is neutral and polar, at codon 1248 of the LRBA protein (p.Asn1248Ser). This variant is present in population databases (rs140860135, gnomAD 0.1%). This variant has not been reported in the literature in individuals affected with LRBA-related conditions. ClinVar contains an entry for this variant (Variation ID: 540379). Advanced modeling of protein sequence and biophysical properties (such as structural, functional, and spatial information, amino acid conservation, physicochemical variation, residue mobility, and thermodynamic stability) performed at Invitae indicates that this missense variant is not expected to disrupt LRBA protein function with a negative predictive value of 80%. In summary, the available evidence is currently insufficient to determine the role of this variant in disease. Therefore, it has been classified as a Variant of Uncertain Significance.

GeneDx
Classification: Uncertain significance. Last evaluated: 2022-08-17. Review status: criteria provided, single submitter. Criteria: GeneDx Variant Classification Process June 2021. Collection method: clinical testing. Allele origin: germline. Affected: yes.
Comment: In silico analysis supports that this missense variant does not alter protein structure/function; Has not been previously published as pathogenic or benign to our knowledge

Ambry Genetics
Classification: Likely benign for Inborn genetic diseases. Last evaluated: 2022-03-29. Review status: criteria provided, single submitter. Criteria: Ambry Variant Classification Scheme 2023. Collection method: clinical testing. Allele origin: germline.

Breakthrough Genomics
Classification: Uncertain significance. Review status: criteria provided, single submitter. Criteria: ACMG Guidelines, 2015. Collection method: not provided. Allele origin: germline. Inheritance: Autosomal recessive inheritance. Affected: yes.

PreventionGenetics, part of Exact Sciences
Classification: Likely benign for LRBA-related condition. Last evaluated: 2024-09-18. Review status: no assertion criteria provided. Collection method: clinical testing. Allele origin: germline. Not counted in ClinVar's aggregate classification.
Comment: This variant is classified as likely benign based on ACMG/AMP sequence variant interpretation guidelines (Richards et al. 2015 PMID: 25741868, with internal and published modifications).

NM_001364905.1(LRBA):c.3743A>G (p.Asn1248Ser)

Gene: LRBA (LPS responsive beige-like anchor protein; minus strand). Cytogenetic location: 4q31.3.
Variant type: single nucleotide variant.
Coding change: c.3743A>G on transcript NM_001364905.1 (MANE Select); coding-DNA position 3743, A replaced by G.
Protein change: p.Asn1248Ser; replaces asparagine 1248 with serine.
Molecular consequence: missense variant.
Genome position (GRCh38, 1-based): chr4:150,851,967, T>C on the plus strand (A>G on the coding strand, the complement: LRBA is on the minus strand). VCF-style: chr4-150851967-T-C. GRCh37 (hg19) VCF-style: chr4-151773119-T-C.
Other names: p.Asn1248Ser; c.3743A>G, p.Asn1248Ser (NM_001199282.3, NM_001367550.1, NM_006726.5); short protein forms N1248S.
Identifiers: ClinVar variation 540379 (VCV000540379.15), dbSNP rs140860135, ClinGen allele CA3103000.